The following is an entry in ClinVar:

NM_006929.5(SKIC2):c.2442G>C (p.Trp814Cys)

Gene: SKIC2 (SKI2 subunit of superkiller complex; plus strand). Cytogenetic location: 6p21.33.
Variant type: single nucleotide variant.
Coding change: c.2442G>C on transcript NM_006929.5 (MANE Select); coding-DNA position 2442, G replaced by C.
Protein change: p.Trp814Cys; replaces tryptophan 814 with cysteine.
Molecular consequence: missense variant.
Genome position (GRCh38, 1-based): chr6:31,967,105, G>C. VCF-style: chr6-31967105-G-C. GRCh37 (hg19) VCF-style: chr6-31934882-G-C.
Other names: p.Trp814Cys; short protein forms W814C.
Identifiers: ClinVar variation 905890 (VCV000905890.31), dbSNP rs148221996, ClinGen allele CA3729769.

ClinVar aggregate classification (germline): Conflicting classifications of pathogenicity. Review status: criteria provided, conflicting classifications (1 of 4 stars). 6 submissions from 6 submitters: Uncertain significance (3); Likely benign (2). 1 of the submissions does not count toward it. Last evaluated 2025-11-05.

Conditions:
SKIC2-related disorder. Also called: SKIC2-related condition.
Trichohepatoenteric syndrome 2 (THES2). Identifiers: Orphanet 84064, MedGen C3281289, MONDO:0013818, OMIM 614602.

Allele frequency attached by ClinVar (database versions not stated): 1000 Genomes Project 30x 0.00047; ESP Exome Variant Server 0.00059; 1000 Genomes Project 0.00060; TOPMed 0.00078.
gnomAD v4.1: 1,424 of 1,612,634 alleles (0.088%); highest among the groups gnomAD compares: Middle Eastern, 0.59%; 2 homozygotes.

Submissions (6):

Mayo Clinic Laboratories, Mayo Clinic
Classification: Likely benign. Last evaluated: 2025-11-05. Review status: criteria provided, single submitter. Criteria: ACMG Guidelines, 2015. Collection method: clinical testing. Allele origin: germline. Observed: 2 variant alleles.
Comment: BS1, BP4

CeGaT Center for Human Genetics Tuebingen
Classification: Likely benign. Last evaluated: 2025-06-01. Review status: criteria provided, single submitter. Criteria: CeGaT Center For Human Genetics Tuebingen Variant Classification Criteria Version 2. Collection method: clinical testing. Allele origin: germline. Affected: yes. Observed: 2 variant alleles.
Comment: SKIC2: BP4

Labcorp Genetics (formerly Invitae), Labcorp
Classification: Uncertain significance. Last evaluated: 2022-11-03. Review status: criteria provided, single submitter. Criteria: Invitae Variant Classification Sherloc (09022015). Collection method: clinical testing. Allele origin: germline.
Comment: This sequence change replaces tryptophan, which is neutral and slightly polar, with cysteine, which is neutral and slightly polar, at codon 814 of the SKIV2L protein (p.Trp814Cys). This variant is present in population databases (rs148221996, gnomAD 0.2%), and has an allele count higher than expected for a pathogenic variant. This variant has not been reported in the literature in individuals affected with SKIV2L-related conditions. ClinVar contains an entry for this variant (Variation ID: 905890). Algorithms developed to predict the effect of missense changes on protein structure and function are either unavailable or do not agree on the potential impact of this missense change (SIFT: "Tolerated"; PolyPhen-2: "Possibly Damaging"; Align-GVGD: "Class C0"). In summary, the available evidence is currently insufficient to determine the role of this variant in disease. Therefore, it has been classified as a Variant of Uncertain Significance.

Centre of Medical Genetics, University Hospital Muenster
Classification: Uncertain significance. Last evaluated: 2022-10-28. Review status: criteria provided, single submitter. Criteria: ACMG Guidelines, 2015. Collection method: clinical testing. Allele origin: unknown. Affected: yes. Observed: 1 variant allele, 1 heterozygote.
Comment: ACMG categories: PM2,PP3

Illumina Laboratory Services, Illumina
Classification: Uncertain significance for Trichohepatoenteric syndrome 2. Last evaluated: 2017-04-27. Review status: criteria provided, single submitter. Criteria: ICSL Variant Classification Criteria 13 December 2019. Collection method: clinical testing. Allele origin: germline.
Comment: This variant was observed as part of a predisposition screen in an ostensibly healthy population. A literature search was performed for the gene, cDNA change, and amino acid change (where applicable). Publications were found based on this search. However, the evidence from the literature, in combination with allele frequency data from public databases where available, was not sufficient to rule this variant in or out of causing disease. Therefore, this variant is classified as a variant of unknown significance.

PreventionGenetics, part of Exact Sciences
Classification: Likely benign for SKIC2-related condition. Last evaluated: 2024-01-19. Review status: no assertion criteria provided. Collection method: clinical testing. Allele origin: germline. Not counted in ClinVar's aggregate classification.
Comment: This variant is classified as likely benign based on ACMG/AMP sequence variant interpretation guidelines (Richards et al. 2015 PMID: 25741868, with internal and published modifications).

Literature cited by the submitters: PubMed 22444670 (cited by Illumina Laboratory Services, Illumina).